The following is an entry in ClinVar:

NM_130837.3(OPA1):c.2358_2361dup (p.Ser789fs)

Gene: OPA1 (OPA1 mitochondrial dynamin like GTPase; plus strand). Cytogenetic location: 3q29.
Variant type: Duplication.
Coding change: c.2358_2361dup on transcript NM_130837.3 (MANE Select); coding-DNA positions 2358 to 2361, 4 bases duplicated (AGAC; older notation c.2358_2361dupAGAC).
Protein change: p.Ser789fs; shifts the reading frame from serine 789.
Molecular consequence: frameshift variant.
Genome position (GRCh38, 1-based): chr3:193,658,913-193,658,916, AGAC duplicated. VCF-style (leftmost placement, unchanged base first): chr3-193658912-A-AAGAC. GRCh37 (hg19) VCF-style: chr3-193376701-A-AAGAC.
Other names: c.1824_1827dup, p.Ser611fs (NM_001354663.2); c.1821_1824dup, p.Ser610fs (NM_001354664.2); c.2193_2196dup, p.Ser734fs (NM_015560.3); c.2085_2088dup, p.Ser698fs (NM_130831.3); c.2139_2142dup, p.Ser716fs (NM_130832.3); c.2196_2199dup, p.Ser735fs (NM_130833.3); c.2247_2250dup, p.Ser752fs (NM_130834.3); c.2250_2253dup, p.Ser753fs (NM_130835.3); and 1 more; short protein forms S610fs, S611fs, S698fs, S716fs, S734fs, S735fs, S752fs, S753fs.
Identifiers: ClinVar variation 4880741 (VCV004880741.2).

ClinVar aggregate classification (germline): Likely pathogenic (1 of 4 stars; one submission).

Submission:

Dasa
Classification: Likely pathogenic. Last evaluated: 2026-01-04. Review status: criteria provided, single submitter. Criteria: DASA Assertion Criteria. Collection method: clinical testing. Allele origin: germline.
Comment: NM_130837.3(OPA1):c.2358_2361dup (p.Ser789Profs*5) is a frameshift variant in OPA1 predicted to alter the reading frame and introduce a premature termination codon and is predicted to result in an absent or altered protein product. Loss of function is an established disease mechanism for OPA1-associated disorders. Also, this variant is absent from population databases. Based on the currently available evidence, this variant is classified as likely pathogenic.